The following is an entry in ClinVar:

ClinVar aggregate classification (germline): Uncertain significance. Review status: criteria provided, multiple submitters, no conflicts (2 of 4 stars). 2 submissions from 2 submitters: Uncertain significance (2). Last evaluated 2025-07-30.

Conditions:
Early-infantile DEE. Also called: Early infantile epileptic encephalopathy; Early infantile epileptic encephalopathy with suppression bursts; Ohtahara syndrome. Identifiers: Orphanet 1934, MedGen C0393706, MONDO:0800491.

Submissions (2):

Labcorp Genetics (formerly Invitae), Labcorp
Classification: Uncertain significance for Early-infantile DEE. Last evaluated: 2025-07-30. Review status: criteria provided, single submitter. Criteria: Invitae Variant Classification Sherloc (09022015). Collection method: clinical testing. Allele origin: germline.
Comment: This sequence change replaces proline, which is neutral and non-polar, with histidine, which is basic and polar, at codon 473 of the SCN1A protein (p.Pro473His). This variant is not present in population databases (gnomAD no frequency). This variant has not been reported in the literature in individuals affected with SCN1A-related conditions. Invitae Evidence Modeling of protein sequence and biophysical properties (such as structural, functional, and spatial information, amino acid conservation, physicochemical variation, residue mobility, and thermodynamic stability) indicates that this missense variant is not expected to disrupt SCN1A protein function with a negative predictive value of 95%. In summary, the available evidence is currently insufficient to determine the role of this variant in disease. Therefore, it has been classified as a Variant of Uncertain Significance.

GeneDx
Classification: Uncertain significance. Last evaluated: 2025-04-28. Review status: criteria provided, single submitter. Criteria: GeneDx Variant Classification Process June 2021. Collection method: clinical testing. Allele origin: germline. Affected: yes.
Comment: Not observed at significant frequency in large population cohorts (gnomAD); This substitution is predicted to be within the cytoplasmic loop between the first and second homologous domain; In silico analysis indicates that this missense variant does not alter protein structure/function; Has not been previously published as pathogenic or benign to our knowledge

NM_001165963.4(SCN1A):c.1418C>A (p.Pro473His)

Gene: SCN1A (sodium voltage-gated channel alpha subunit 1; minus strand). Cytogenetic location: 2q24.3.
Variant type: single nucleotide variant.
Coding change: c.1418C>A on transcript NM_001165963.4 (MANE Select); coding-DNA position 1418, C replaced by A.
Protein change: p.Pro473His; replaces proline 473 with histidine.
Molecular consequence: missense variant. On other transcripts: 5 prime UTR variant (1), non-coding transcript variant (1).
Genome position (GRCh38, 1-based): chr2:166,045,287, G>T on the plus strand (C>A on the coding strand, the complement: SCN1A is on the minus strand). VCF-style: chr2-166045287-G-T. GRCh37 (hg19) VCF-style: chr2-166901797-G-T.
Other names: c.1418C>A, p.Pro473His (NM_001165964.3, NM_001202435.3, NM_001353948.2 and 7 more transcripts); c.1415C>A, p.Pro472His (NM_001353954.2, NM_001353955.2, NM_001353960.2); c.-1008C>A (NM_001353961.2); short protein forms P472H, P473H.
Identifiers: ClinVar variation 4527600 (VCV004527600.2).
Genomic context (GRCh38, chr2:166,045,287, plus strand): 5'-CTCTTGGAACTCAACTTAGAGGCTTCAGATGAGCTGTCTGAGAGCCTGCCTGCTGCACTG[G>T]GCTCTCTGGAATGTTCTGAGGCAGTTGCCGTTGCTGCCTGCTATATTGAAGAGAAATGAT-3'
Protein context (NP_001159435.1, residues 463-483): TATASEHSRE[Pro473His]SAAGRLSDSS